The following is an entry in ClinVar:

NM_022041.4(GAN):c.500C>T (p.Thr167Met)

Gene: GAN (gigaxonin; plus strand). Cytogenetic location: 16q23.2.
Variant type: single nucleotide variant.
Coding change: c.500C>T on transcript NM_022041.4 (MANE Select); coding-DNA position 500, C replaced by T.
Protein change: p.Thr167Met; replaces threonine 167 with methionine.
Molecular consequence: missense variant. On other transcripts: 5 prime UTR variant (1).
Genome position (GRCh38, 1-based): chr16:81,354,622, C>T. VCF-style: chr16-81354622-C-T. GRCh37 (hg19) VCF-style: chr16-81388227-C-T.
Other names: p.Thr167Met; c.-140C>T (NM_001377486.1); short protein forms T167M.
Identifiers: ClinVar variation 656612 (VCV000656612.11), dbSNP rs143187097, ClinGen allele CA8191381.

ClinVar aggregate classification (germline): Uncertain significance. Review status: criteria provided, multiple submitters, no conflicts (2 of 4 stars). 3 submissions from 3 submitters: Uncertain significance (3). Last evaluated 2024-09-25.

Conditions:
Inborn genetic diseases. Identifiers: MedGen C0950123, MeSH D030342.
Giant axonal neuropathy 1 (GAN1). Also called: GIANT AXONAL NEUROPATHY 1, AUTOSOMAL RECESSIVE; GAN-Related Neurodegeneration. Identifiers: Orphanet 643, MedGen C1850386, MONDO:0009749, OMIM 256850.

Allele frequency attached by ClinVar (database versions not stated): gnomAD 0.00001 and 0.00003; TOPMed 0.00001; 1000 Genomes Project 0.00040; 1000 Genomes Project 30x 0.00047.
gnomAD v4.1: 48 of 1,613,706 alleles (0.003%); highest among the groups gnomAD compares: Middle Eastern, 0.033%; no homozygotes.

Submissions (3):

Ambry Genetics
Classification: Uncertain significance for Inborn genetic diseases. Last evaluated: 2024-09-25. Review status: criteria provided, single submitter. Criteria: Ambry Variant Classification Scheme 2023. Collection method: clinical testing. Allele origin: germline.

Mayo Clinic Laboratories, Mayo Clinic
Classification: Uncertain significance. Last evaluated: 2023-09-22. Review status: criteria provided, single submitter. Criteria: ACMG Guidelines, 2015. Collection method: clinical testing. Allele origin: germline. Observed: 1 variant allele.
Comment: PM2_moderate

Labcorp Genetics (formerly Invitae), Labcorp
Classification: Uncertain significance for Giant axonal neuropathy 1. Last evaluated: 2020-03-16. Review status: criteria provided, single submitter. Criteria: Invitae Variant Classification Sherloc (09022015). Collection method: clinical testing. Allele origin: germline.
Comment: In summary, the available evidence is currently insufficient to determine the role of this variant in disease. Therefore, it has been classified as a Variant of Uncertain Significance. Algorithms developed to predict the effect of missense changes on protein structure and function are either unavailable or do not agree on the potential impact of this missense change (SIFT: "Tolerated"; PolyPhen-2: "Probably Damaging"; Align-GVGD: "Class C0"). This variant has not been reported in the literature in individuals with GAN-related disease. This variant is present in population databases (rs143187097, ExAC 0.03%). This sequence change replaces threonine with methionine at codon 167 of the GAN protein (p.Thr167Met). The threonine residue is highly conserved and there is a moderate physicochemical difference between threonine and methionine.